The following is an entry in ClinVar:

ClinVar aggregate classification (germline): Benign. Review status: criteria provided, multiple submitters, no conflicts (2 of 4 stars). 7 submissions from 7 submitters: Benign (7). Last evaluated 2026-02-04.

Conditions:
Progressive myositis ossificans (FOP). Also called: Myositis ossificans progressiva; Progressive ossifying myositis; Fibrodysplasia Ossificans Progressiva. Identifiers: Orphanet 337, MedGen C0016037, MONDO:0007606, OMIM 135100.

Allele frequency attached by ClinVar (database versions not stated): ESP Exome Variant Server 0.60472; TOPMed 0.61391; gnomAD 0.62210 and 0.63722; 1000 Genomes Project 30x 0.64116; 1000 Genomes Project 0.65096; ExAC 0.75017; gnomAD exomes 0.76215 and 0.76234.
gnomAD v4.1: 1,210,844 of 1,613,950 alleles (75%); highest among the groups gnomAD compares: East Asian, 92%; 465,080 homozygotes.

Submissions (7):

Labcorp Genetics (formerly Invitae), Labcorp
Classification: Benign. Last evaluated: 2026-02-04. Review status: criteria provided, single submitter. Criteria: Invitae Variant Classification Sherloc (09022015). Collection method: clinical testing. Allele origin: germline.

Blueprint Genetics
Classification: Benign. Last evaluated: 2024-11-26. Review status: criteria provided, single submitter. Criteria: ACMG Guidelines, 2015. Collection method: clinical testing. Allele origin: germline.

Genome-Nilou Lab
Classification: Benign for Progressive myositis ossificans. Last evaluated: 2021-07-14. Review status: criteria provided, single submitter. Criteria: ACMG Guidelines, 2015. Collection method: clinical testing. Allele origin: germline. Affected: no.

GeneDx
Classification: Benign. Last evaluated: 2018-09-04. Review status: criteria provided, single submitter. Criteria: GeneDx Variant Classification Process June 2021. Collection method: clinical testing. Allele origin: germline. Affected: yes.

Illumina Laboratory Services, Illumina
Classification: Benign for Progressive myositis ossificans. Last evaluated: 2018-01-12. Review status: criteria provided, single submitter. Criteria: ICSL Variant Classification Criteria 13 December 2019. Collection method: clinical testing. Allele origin: germline.
Comment: This variant was observed in the ICSL laboratory as part of a predisposition screen in an ostensibly healthy population. It had not been previously curated by ICSL or reported in the Human Gene Mutation Database (HGMD: prior to June 1st, 2018), and was therefore a candidate for classification through an automated scoring system. Utilizing variant allele frequency, disease prevalence and penetrance estimates, and inheritance mode, an automated score was calculated to assess if this variant is too frequent to cause the disease. Based on the score and internal cut-off values, a variant classified as benign is not then subjected to further curation. The score for this variant resulted in a classification of benign for this disease.

Breakthrough Genomics
Classification: Benign. Review status: criteria provided, single submitter. Criteria: ACMG Guidelines, 2015. Collection method: not provided. Allele origin: germline. Inheritance: Autosomal dominant inheritance. Affected: yes.

PreventionGenetics, part of Exact Sciences
Classification: Benign. Review status: criteria provided, single submitter. Criteria: ACMG Guidelines, 2015. Collection method: clinical testing. Allele origin: germline.

NM_001111067.4(ACVR1):c.270C>T (p.Ala90=)

Gene: ACVR1 (activin A receptor type 1; minus strand). Cytogenetic location: 2q24.1.
Variant type: single nucleotide variant.
Coding change: c.270C>T on transcript NM_001111067.4 (MANE Select); coding-DNA position 270, C replaced by T.
Protein change: p.Ala90=; no amino-acid change (alanine 90 retained).
Molecular consequence: synonymous variant.
Genome position (GRCh38, 1-based): chr2:157,780,398, G>A on the plus strand (C>T on the coding strand, the complement: ACVR1 is on the minus strand). VCF-style: chr2-157780398-G-A. GRCh37 (hg19) VCF-style: chr2-158636910-G-A.
Other names: c.270C>T, p.Ala90= (NM_001105.5, NM_001347663.1, NM_001347664.1 and 3 more transcripts).
Identifiers: ClinVar variation 257464 (VCV000257464.20), dbSNP rs2227861, ClinGen allele CA1919198.
Genomic context (GRCh38, chr2:157,780,398, plus strand): 5'-TTTAGTGGGCAGCTGGGCCGTGATGTTCCTGTTACACCAGTCCCCTTGGCAGCACTCCAC[G>A]GCTTGGCCAGGGGACGGCGGGGTCTTACAGGTCATCTTTCCCTGCTCATAAACCTGGAAG-3'
Protein context (NP_001104537.1, residues 80-100): TCKTPPSPGQ[Ala90=]VECCQGDWCN